The following is an entry in ClinVar:

ClinVar aggregate classification (germline): Pathogenic (1 of 4 stars; one submission).

Conditions:
Inborn genetic diseases. Identifiers: MedGen C0950123, MeSH D030342.

Submission:

Ambry Genetics
Classification: Pathogenic for Inborn genetic diseases. Last evaluated: 2024-05-17. Review status: criteria provided, single submitter. Criteria: Ambry Variant Classification Scheme 2023. Collection method: clinical testing. Allele origin: germline.
Comment: The c.158delG (p.G53Afs*68) alteration, located in exon 1 (coding exon 1) of the DLG3 gene, consists of a deletion of one nucleotide at position 158, causing a translational frameshift with a predicted alternate stop codon after 68 amino acids. This alteration is expected to result in loss of function by premature protein truncation or nonsense-mediated mRNA decay. This variant was not reported in population-based cohorts in the Genome Aggregation Database (gnomAD). Based on the available evidence, this alteration is classified as pathogenic.

NM_021120.4(DLG3):c.158del (p.Gly53fs)

Gene: DLG3 (discs large MAGUK scaffold protein 3; plus strand). Cytogenetic location: Xq13.1.
Variant type: Deletion.
Coding change: c.158del on transcript NM_021120.4 (MANE Select); coding-DNA position 158, one base deleted (G; older notation c.158delG).
Protein change: p.Gly53fs; shifts the reading frame from glycine 53.
Molecular consequence: frameshift variant.
Genome position (GRCh38, 1-based): chrX:70,445,359, G deleted; the last of 5 consecutive G bases (chrX:70,445,355-70,445,359); deleting any one gives the same sequence. VCF-style (leftmost placement, unchanged base first): chrX-70445354-TG-T. GRCh37 (hg19) VCF-style: chrX-69665204-TG-T.
Other names: short protein forms G53fs.
Identifiers: ClinVar variation 3272237 (VCV003272237.1).